The following is an entry in ClinVar:

ClinVar aggregate classification (germline): Uncertain significance (1 of 4 stars; one submission).

Conditions:
Candidiasis, familial, 9 (CANDF9). Identifiers: Orphanet 1334, MedGen C4225324, MONDO:0014642, OMIM 616445.

Allele frequency attached by ClinVar (database versions not stated): TOPMed 0.00001.

Submission:

Labcorp Genetics (formerly Invitae), Labcorp
Classification: Uncertain significance for Candidiasis, familial, 9. Last evaluated: 2024-10-28. Review status: criteria provided, single submitter. Criteria: Invitae Variant Classification Sherloc (09022015). Collection method: clinical testing. Allele origin: germline.
Comment: This sequence change replaces alanine, which is neutral and non-polar, with threonine, which is neutral and polar, at codon 581 of the IL17RC protein (p.Ala581Thr). The frequency data for this variant in the population databases is considered unreliable, as metrics indicate poor data quality at this position in the gnomAD database. This variant has not been reported in the literature in individuals affected with IL17RC-related conditions. ClinVar contains an entry for this variant (Variation ID: 1473561). An algorithm developed to predict the effect of missense changes on protein structure and function outputs the following: PolyPhen-2: "Benign". The threonine amino acid residue is found in multiple mammalian species, which suggests that this missense change does not adversely affect protein function. In summary, the available evidence is currently insufficient to determine the role of this variant in disease. Therefore, it has been classified as a Variant of Uncertain Significance.

NM_153460.4(IL17RC):c.1528G>A (p.Ala510Thr)

Gene: IL17RC (interleukin 17 receptor C; plus strand). Cytogenetic location: 3p25.3.
Variant type: single nucleotide variant.
Coding change: c.1528G>A on transcript NM_153460.4 (MANE Select); coding-DNA position 1528, G replaced by A.
Protein change: p.Ala510Thr; replaces alanine 510 with threonine.
Molecular consequence: missense variant. On other transcripts: non-coding transcript variant (1).
Genome position (GRCh38, 1-based): chr3:9,932,958, G>A. VCF-style: chr3-9932958-G-A. GRCh37 (hg19) VCF-style: chr3-9974642-G-A.
Other names: c.1489G>A, p.Ala497Thr (NM_001203263.2); c.1438G>A, p.Ala480Thr (NM_001203264.2); c.1432G>A, p.Ala478Thr (NM_001203265.2); c.1450G>A, p.Ala484Thr (NM_001367278.1); c.1369G>A, p.Ala457Thr (NM_001367279.1); c.1444G>A, p.Ala482Thr (NM_001367280.1); c.1483G>A, p.Ala495Thr (NM_032732.6); c.1741G>A, p.Ala581Thr (NM_153461.4); short protein forms A497T, A581T, A478T, A482T, A457T, A480T, A495T, A510T.
Identifiers: ClinVar variation 1473561 (VCV001473561.6), dbSNP rs1267106319, ClinGen allele CA351704044.